The following is an entry in ClinVar:

ClinVar aggregate classification (germline): Uncertain significance (1 of 4 stars; one submission).

Conditions:
Catecholaminergic polymorphic ventricular tachycardia 1. Also called: VENTRICULAR TACHYCARDIA, CATECHOLAMINERGIC POLYMORPHIC, 1, WITH OR WITHOUT ATRIAL DYSFUNCTION AND/OR DILATED CARDIOMYOPATHY; VENTRICULAR TACHYCARDIA, STRESS-INDUCED POLYMORPHIC 1; RYR2-Related Catecholaminergic Polymorphic Ventricular Tachycardia. Identifiers: Orphanet 3286, MedGen C1631597, MONDO:0011484, OMIM 604772.

Submission:

Labcorp Genetics (formerly Invitae), Labcorp
Classification: Uncertain significance for Catecholaminergic polymorphic ventricular tachycardia 1. Last evaluated: 2023-11-15. Review status: criteria provided, single submitter. Criteria: Invitae Variant Classification Sherloc (09022015). Collection method: clinical testing. Allele origin: germline.
Comment: This sequence change falls in intron 75 of the RYR2 gene. It does not directly change the encoded amino acid sequence of the RYR2 protein. It affects a nucleotide within the consensus splice site. This variant is not present in population databases (gnomAD no frequency). This variant has not been reported in the literature in individuals affected with RYR2-related conditions. Variants that disrupt the consensus splice site are a relatively common cause of aberrant splicing (PMID: 17576681, 9536098). In summary, the available evidence is currently insufficient to determine the role of this variant in disease. Therefore, it has been classified as a Variant of Uncertain Significance.

Literature cited by the submitters: PubMed 17576681; PubMed 9536098.

NM_001035.3(RYR2):c.10725+2G>A

Gene: RYR2 (ryanodine receptor 2; plus strand). Cytogenetic location: 1q43.
Variant type: single nucleotide variant.
Coding change: c.10725+2G>A on transcript NM_001035.3 (MANE Select); the canonical splice donor site of the intron after coding-DNA position 10725, G replaced by A.
Molecular consequence: splice donor variant.
Genome position (GRCh38, 1-based): chr1:237,726,310, G>A. VCF-style: chr1-237726310-G-A. GRCh37 (hg19) VCF-style: chr1-237889610-G-A.
Identifiers: ClinVar variation 2696104 (VCV002696104.3), dbSNP rs1210929894, ClinGen allele CA345416772.